The following is an entry in ClinVar:

NM_000287.4(PEX6):c.680A>G (p.Gln227Arg)

Gene: PEX6 (peroxisomal biogenesis factor 6; minus strand). Cytogenetic location: 6p21.1.
Variant type: single nucleotide variant.
Coding change: c.680A>G on transcript NM_000287.4 (MANE Select); coding-DNA position 680, A replaced by G.
Protein change: p.Gln227Arg; replaces glutamine 227 with arginine.
Molecular consequence: missense variant. On other transcripts: non-coding transcript variant (1), intron variant (1).
Genome position (GRCh38, 1-based): chr6:42,978,471, T>C on the plus strand (A>G on the coding strand, the complement: PEX6 is on the minus strand). VCF-style: chr6-42978471-T-C. GRCh37 (hg19) VCF-style: chr6-42946209-T-C.
Other names: c.618+62A>G (NM_001316313.2); c.680A>G (NM_000287.3); short protein forms Q227R.
Identifiers: ClinVar variation 1401723 (VCV001401723.5), dbSNP rs757479364, ClinGen allele CA3811587.

ClinVar aggregate classification (germline): Conflicting classifications of pathogenicity. Review status: criteria provided, conflicting classifications (1 of 4 stars). 3 submissions from 3 submitters: Uncertain significance (1); Likely benign (2). Last evaluated 2024-11-03.

Conditions:
Peroxisome biogenesis disorder. Identifiers: Orphanet 79189, MedGen C1832200, MONDO:0019234. Disease mechanism: loss of function.
Inborn genetic diseases. Identifiers: MedGen C0950123, MeSH D030342.

Allele frequency attached by ClinVar (database versions not stated): gnomAD exomes 0.00001 and 0.00002; TOPMed 0.00001; ExAC 0.00003; gnomAD 0.00003 and 0.00004.
gnomAD v4.1: 22 of 1,614,072 alleles (0.0014%); highest among the groups gnomAD compares: Non-Finnish European, 0.0019%; no homozygotes.

Submissions (3):

Ambry Genetics
Classification: Likely benign for Inborn genetic diseases. Last evaluated: 2024-11-03. Review status: criteria provided, single submitter. Criteria: Ambry Variant Classification Scheme 2023. Collection method: clinical testing. Allele origin: germline.

Blueprint Genetics
Classification: Likely benign. Last evaluated: 2024-09-17. Review status: criteria provided, single submitter. Criteria: ACMG Guidelines, 2015. Collection method: clinical testing. Allele origin: germline.

Labcorp Genetics (formerly Invitae), Labcorp
Classification: Uncertain significance for Peroxisome biogenesis disorder. Last evaluated: 2022-08-21. Review status: criteria provided, single submitter. Criteria: Invitae Variant Classification Sherloc (09022015). Collection method: clinical testing. Allele origin: germline.
Comment: This sequence change replaces glutamine, which is neutral and polar, with arginine, which is basic and polar, at codon 227 of the PEX6 protein (p.Gln227Arg). This variant is present in population databases (rs757479364, gnomAD 0.004%). This variant has not been reported in the literature in individuals affected with PEX6-related conditions. ClinVar contains an entry for this variant (Variation ID: 1401723). Algorithms developed to predict the effect of missense changes on protein structure and function output the following: SIFT: "Tolerated"; PolyPhen-2: "Benign"; Align-GVGD: "Class C0". The arginine amino acid residue is found in multiple mammalian species, which suggests that this missense change does not adversely affect protein function. In summary, the available evidence is currently insufficient to determine the role of this variant in disease. Therefore, it has been classified as a Variant of Uncertain Significance.